The following is an entry in ClinVar:

ClinVar aggregate classification (germline): Pathogenic (1 of 4 stars; one submission).

Submission:

Labcorp Genetics (formerly Invitae), Labcorp
Classification: Pathogenic. Last evaluated: 2023-05-02. Review status: criteria provided, single submitter. Criteria: Invitae Variant Classification Sherloc (09022015). Collection method: clinical testing. Allele origin: unknown.
Comment: For these reasons, this variant has been classified as Pathogenic. This variant has not been reported in the literature in individuals affected with PDE6C-related conditions. This variant is a gross deletion of the genomic region encompassing exon(s) 15 of the PDE6C gene. This deletion is out-of-frame, and is expected to create a premature termination codon and result in an absent or disrupted protein product. Loss-of-function variants in PDE6C are known to be pathogenic (PMID: 19887631, 23776498, 26103963, 30080950).

Literature cited by the submitters: PubMed 19887631; PubMed 23776498; PubMed 26103963; PubMed 30080950.

NC_000010.10:g.(?_95405697)_(95405824_?)del

Gene: PDE6C (phosphodiesterase 6C; plus strand). Cytogenetic location: 10q23.33.
Variant type: Deletion.
Identifiers: ClinVar variation 3244974 (VCV003244974.1).